The following is an entry in ClinVar:

NM_005634.3(SOX3):c.64C>G (p.Arg22Gly)

Genes: SOX3 (SRY-box transcription factor 3; minus strand), LOC108281134 (SOX3 promoter region; plus strand). Cytogenetic location: Xq27.1.
Variant type: single nucleotide variant.
Coding change: c.64C>G on transcript NM_005634.3 (MANE Select); coding-DNA position 64, C replaced by G.
Protein change: p.Arg22Gly; replaces arginine 22 with glycine.
Molecular consequence: missense variant.
Genome position (GRCh38, 1-based): chrX:140,504,997, G>C on the plus strand (C>G on the coding strand, the complement: SOX3 is on the minus strand). VCF-style: chrX-140504997-G-C. GRCh37 (hg19) VCF-style: chrX-139587162-G-C.
Other names: p.Arg22Gly; short protein forms R22G.
Identifiers: ClinVar variation 2445465 (VCV002445465.2), dbSNP rs776928928, ClinGen allele CA10531682.

ClinVar aggregate classification (germline): Uncertain significance (1 of 4 stars; one submission).

Conditions:
Oligospermia. Identifiers: MedGen C0028960, MeSH D009845, MONDO:0001913.
Abnormal sperm morphology. Also called: Teratozoospermia. Identifiers: MedGen C0403824, HP:0012864.

Allele frequency attached by ClinVar (database versions not stated): ExAC 0.00006.

Submission:

Foundation for Research in Genetics and Endocrinology, FRIGE's Institute of Human Genetics
Classification: Uncertain significance for Abnormal sperm morphology; Oligozoospermia. Review status: criteria provided, single submitter. Criteria: ACMG Guidelines, 2015. Collection method: clinical testing. Allele origin: germline. Inheritance: X-linked recessive inheritance. Affected: yes. Observed: 1 hemizygote.
Comment: A hemizygous missense variation in exon 1 of the SOX3 gene that results in substitution of glycine for arginine at codon position 22 (p.Arg22Gly) was detected. This variant has not been reported in the 1000 genomes database and is reported in 1 male in the gnomAD database. The in silico predictions of the variant are damaging by SIFT, MutationTaster2, CADD, FATHMM and REVEL. The reference codon is conserved across species. In summary, the variant meets our criteria to be classified as a variant of uncertain significance.